The following is an entry in ClinVar:

NM_000057.4(BLM):c.1696G>A (p.Asp566Asn)

Gene: BLM (BLM RecQ like helicase; plus strand). Cytogenetic location: 15q26.1.
Variant type: single nucleotide variant.
Coding change: c.1696G>A on transcript NM_000057.4 (MANE Select); coding-DNA position 1696, G replaced by A.
Protein change: p.Asp566Asn; replaces aspartic acid 566 with asparagine.
Molecular consequence: missense variant.
Genome position (GRCh38, 1-based): chr15:90,761,069, G>A. VCF-style: chr15-90761069-G-A. GRCh37 (hg19) VCF-style: chr15-91304299-G-A.
Other names: c.1696G>A, p.Asp566Asn (NM_001287246.2, NM_001287247.2); c.571G>A, p.Asp191Asn (NM_001287248.2); short protein forms D191N, D566N.
Identifiers: ClinVar variation 4742584 (VCV004742584.1).
Genomic context (GRCh38, chr15:90,761,069, plus strand): 5'-GAAACCCAACCTTCCTATGATATTGATAATTTTGACATAGATGACTTTGATGATGATGAT[G>A]ACTGGGAAGACATAATGCATAATTTAGCAGCCAGCAAATCTTCCACAGCTGCCTATCAAC-3'
Protein context (NP_000048.1, residues 556-576): FDIDDFDDDD[Asp566Asn]WEDIMHNLAA

ClinVar aggregate classification (germline): Uncertain significance (1 of 4 stars; one submission).

Conditions:
Bloom syndrome (BLM). Also called: Bloom-Torre-Machacek syndrome. Identifiers: Orphanet 125, MedGen C0005859, MONDO:0008876, OMIM 210900.

gnomAD v4.1: 1 of 1,576,620 alleles (0.000063%); highest among the groups gnomAD compares: Non-Finnish European, 0.000086%; no homozygotes.

Submission:

Labcorp Genetics (formerly Invitae), Labcorp
Classification: Uncertain significance for Bloom syndrome. Last evaluated: 2025-10-27. Review status: criteria provided, single submitter. Criteria: Invitae Variant Classification Sherloc (09022015). Collection method: clinical testing. Allele origin: germline.
Comment: This sequence change replaces aspartic acid, which is acidic and polar, with asparagine, which is neutral and polar, at codon 566 of the BLM protein (p.Asp566Asn). This variant is not present in population databases (gnomAD no frequency). This variant has not been reported in the literature in individuals affected with BLM-related conditions. Invitae Evidence Modeling of protein sequence and biophysical properties (such as structural, functional, and spatial information, amino acid conservation, physicochemical variation, residue mobility, and thermodynamic stability) indicates that this missense variant is not expected to disrupt BLM protein function with a negative predictive value of 80%. In summary, the available evidence is currently insufficient to determine the role of this variant in disease. Therefore, it has been classified as a Variant of Uncertain Significance.